The following is an entry in ClinVar:

ClinVar aggregate classification (germline): Likely pathogenic (1 of 4 stars; one submission).

Conditions:
Hereditary cancer-predisposing syndrome. Also called: Tumor predisposition; Hereditary Cancer Syndrome; Neoplastic Syndromes, Hereditary; Hereditary neoplastic syndrome. Identifiers: Orphanet 140162, MedGen C0027672, MeSH D009386, MONDO:0015356.

Submission:

Ambry Genetics
Classification: Likely pathogenic for Hereditary cancer-predisposing syndrome. Last evaluated: 2019-02-28. Review status: criteria provided, single submitter. Criteria: Ambry Variant Classification Scheme 2023. Collection method: clinical testing. Allele origin: germline.
Comment: The c.2859+1G>C intronic variant results from a G to C substitution one nucleotide after coding exon 18 of the SMARCA4 gene. This alteration has been identified in two individuals diagnosed with small cell carcinoma of the ovary, hypercalcemic type from one family, and this alteration was found to cause skipping of exon 19 (Witkowski L et al. Fam. Cancer, 2017 07;16:395-399). This nucleotide position is highly conserved in available vertebrate species. Using the BDGP and ESEfinder splice site prediction tools, this alteration is predicted to abolish the native splice donor site; however, direct evidence is unavailable. Alterations that disrupt the canonical splice site are expected to cause aberrant splicing, resulting in an abnormal protein or a transcript that is subject to nonsense-mediated mRNA decay. As such, this alteration is classified as likely pathogenic.

Literature cited by the submitters: PubMed 27866340.

NM_003072.5(SMARCA4):c.2859+1G>C

Gene: SMARCA4 (SWI/SNF related BAF chromatin remodeling complex subunit ATPase 4; plus strand). Cytogenetic location: 19p13.2.
Variant type: single nucleotide variant.
Coding change: c.2859+1G>C on transcript NM_003072.5 (MANE Select); the canonical splice donor site of the intron after coding-DNA position 2859, G replaced by C.
Molecular consequence: splice donor variant.
Genome position (GRCh38, 1-based): chr19:11,021,968, G>C. VCF-style: chr19-11021968-G-C. GRCh37 (hg19) VCF-style: chr19-11132644-G-C.
Other names: c.2859+1G>C (NM_001128844.3, NM_001128849.3, NM_001128847.4 and 6 more transcripts).
Identifiers: ClinVar variation 208651 (VCV000208651.7), dbSNP rs797044856, ClinGen allele CA204608.
Genomic context (GRCh38, chr19:11,021,968, plus strand): 5'-AAGAGCTGCAGCACCTTCGAGCAGTGGTTTAACGCACCCTTTGCCATGACCGGGGAAAAG[G>C]TGGGTTTGCCCAGCTGTGCCCATGCTGACGGTTCCAGGTGCGGCTGGCTTTGCTGGTTGG-3'